The following is an entry in ClinVar:

NM_015474.4(SAMHD1):c.853-2A>G

Gene: SAMHD1 (SAM and HD domain containing deoxynucleoside triphosphate triphosphohydrolase 1; minus strand). Cytogenetic location: 20q11.23.
Variant type: single nucleotide variant.
Coding change: c.853-2A>G on transcript NM_015474.4 (MANE Select); the canonical splice acceptor site of the intron before coding-DNA position 853, A replaced by G.
Molecular consequence: splice acceptor variant.
Genome position (GRCh38, 1-based): chr20:36,917,051, T>C on the plus strand (A>G on the coding strand, the complement: SAMHD1 is on the minus strand). VCF-style: chr20-36917051-T-C. GRCh37 (hg19) VCF-style: chr20-35545454-T-C.
Other names: c.853-2A>G (NM_001363729.2, NM_001363733.2).
Identifiers: ClinVar variation 3027021 (VCV003027021.22), dbSNP rs1239410431, ClinGen allele CA408845772.

ClinVar aggregate classification (germline): Pathogenic (1 of 4 stars; one submission).

Allele frequency attached by ClinVar (database versions not stated): gnomAD exomes below 0.00001.
gnomAD v4.1: 3 of 1,605,288 alleles (0.00019%); highest among the groups gnomAD compares: Non-Finnish European, 0.00026%; no homozygotes.

Submission:

CeGaT Center for Human Genetics Tuebingen
Classification: Pathogenic. Last evaluated: 2024-01-01. Review status: criteria provided, single submitter. Criteria: CeGaT Center For Human Genetics Tuebingen Variant Classification Criteria Version 2. Collection method: clinical testing. Allele origin: germline. Affected: yes. Observed: 1 variant allele.
Comment: SAMHD1: PVS1, PM2, PM3:Supporting